The following is an entry in ClinVar:

NM_000264.5(PTCH1):c.3943_3944delinsAT (p.Pro1315Ile)

Gene: PTCH1 (patched 1; minus strand). Cytogenetic location: 9q22.32.
Variant type: Indel.
Coding change: c.3943_3944delinsAT on transcript NM_000264.5 (MANE Select); coding-DNA positions 3943 to 3944, CC replaced by AT.
Protein change: p.Pro1315Ile; replaces proline 1315 with isoleucine.
Molecular consequence: missense variant. On other transcripts: non-coding transcript variant (1).
Genome position (GRCh38, 1-based): chr9:95,447,312-95,447,313, GG replaced by AT on the plus strand (CC replaced by AT on the coding strand, the reverse complement: PTCH1 is on the minus strand). VCF-style: chr9-95447312-GG-AT. GRCh37 (hg19) VCF-style: chr9-98209594-GG-AT.
Other names: c.3745_3746delinsAT, p.Pro1249Ile (NM_001083602.3); c.3940_3941delinsAT, p.Pro1314Ile (NM_001083603.3); c.3490_3491delinsAT, p.Pro1164Ile (NM_001083604.3, NM_001083605.3, NM_001083606.3 and 1 more transcripts); c.3787_3788delinsAT, p.Pro1263Ile (NM_001354918.2); short protein forms P1164I, P1263I, P1249I, P1314I, P1315I.
Identifiers: ClinVar variation 3427245 (VCV003427245.1).
Genomic context (GRCh38, chr9:95,447,312, plus strand): 5'-TTGCTAGGGCCAGAATGCCCTTCAGTAGAAATTTCAAAAGCGTCTCTGCGCGGTCTGTAG[GG>AT]GGGTGGCCACAAGCCTTCTCTGGGGGGGTCCCTGCGGGGCTGCTGGCCTTGCCGTCCGGG-3'
Protein context (NP_000255.2, residues 1305-1325): DPPREGLWPP[Pro1315Ile]YRPRRDAFEI

ClinVar aggregate classification (germline): Uncertain significance (1 of 4 stars; one submission).

Conditions:
Hereditary cancer-predisposing syndrome. Also called: Neoplastic Syndromes, Hereditary; Tumor predisposition; Hereditary Cancer Syndrome; Hereditary neoplastic syndrome. Identifiers: Orphanet 140162, MedGen C0027672, MeSH D009386, MONDO:0015356.

Submission:

Ambry Genetics
Classification: Uncertain significance for Hereditary cancer-predisposing syndrome. Last evaluated: 2024-08-08. Review status: criteria provided, single submitter. Criteria: Ambry Variant Classification Scheme 2023. Collection method: clinical testing. Allele origin: germline.
Comment: The c.3943_3944delCCinsAT variant (also known as p.P1315I), located in coding exon 23 of the PTCH1 gene, results from an in-frame deletion of CC and insertion of AT at nucleotide positions 3943 to 3944. This results in the substitution of the proline residue for an isoleucine residue at codon 1315, an amino acid with similar properties. This amino acid position is highly conserved in available vertebrate species. In addition, this alteration is predicted to be neutral by in silico analysis (Choi Y et al. PLoS ONE. 2012; 7(10):e46688). Based on the available evidence, the clinical significance of this variant remains unclear.